The following is an entry in ClinVar:

ClinVar aggregate classification (germline): Uncertain significance (1 of 4 stars; one submission).

Conditions:
Cardiovascular phenotype. Identifiers: MedGen CN230736.

Allele frequency attached by ClinVar (database versions not stated): gnomAD 0.00001; ESP Exome Variant Server 0.00008; TOPMed 0.00008.
gnomAD v4.1: 3 of 1,613,232 alleles (0.00019%); highest among the groups gnomAD compares: African/African-American, 0.004%; no homozygotes.

Submission:

Ambry Genetics
Classification: Uncertain significance for Cardiovascular phenotype. Last evaluated: 2020-07-01. Review status: criteria provided, single submitter. Criteria: Ambry Variant Classification Scheme 2023. Collection method: clinical testing. Allele origin: germline.
Comment: The p.L13050F variant (also known as c.39150A>C), located in coding exon 142 of the TTN gene, results from an A to C substitution at nucleotide position 39150. The leucine at codon 13050 is replaced by phenylalanine, an amino acid with highly similar properties. This amino acid position is poorly conserved in available vertebrate species. In addition, this alteration is predicted to be tolerated by in silico analysis. Since supporting evidence is limited at this time, the clinical significance of this alteration remains unclear.

NM_001267550.2(TTN):c.66345A>C (p.Leu22115Phe)

Genes: TTN (titin; minus strand), TTN-AS1 (TTN antisense RNA 1; plus strand). Cytogenetic location: 2q31.2.
Variant type: single nucleotide variant.
Coding change: c.66345A>C on transcript NM_001267550.2 (MANE Select); coding-DNA position 66345, A replaced by C.
Protein change: p.Leu22115Phe; replaces leucine 22115 with phenylalanine.
Molecular consequence: missense variant.
Genome position (GRCh38, 1-based): chr2:178,582,024, T>G on the plus strand (A>C on the coding strand, the complement: TTN is on the minus strand). VCF-style: chr2-178582024-T-G. GRCh37 (hg19) VCF-style: chr2-179446751-T-G.
Other names: c.61422A>C, p.Leu20474Phe (NM_001256850.1); c.39150A>C, p.Leu13050Phe (NM_003319.4); c.58641A>C, p.Leu19547Phe (NM_133378.4); c.39525A>C, p.Leu13175Phe (NM_133432.3); c.39726A>C, p.Leu13242Phe (NM_133437.4); short protein forms L13242F, L22115F, L13050F, L13175F, L20474F, L19547F.
Identifiers: ClinVar variation 1736136 (VCV001736136.2), dbSNP rs371010572, ClinGen allele CA60959094.